The following is an entry in ClinVar:

ClinVar aggregate classification (germline): Likely benign. Review status: criteria provided, single submitter (1 of 4 stars). 2 submissions from 2 submitters: Likely benign (1). 1 of the submissions does not count toward it. Last evaluated 2018-04-10.

Conditions:
ABCA5-related disorder. Also called: ABCA5-related condition.

Allele frequency attached by ClinVar (database versions not stated): gnomAD 0.00013 and 0.00019; TOPMed 0.00037; ExAC 0.00063; gnomAD exomes 0.00063; 1000 Genomes Project 30x 0.00141; 1000 Genomes Project 0.00160.
gnomAD v4.1: 248 of 1,598,688 alleles (0.016%); highest among the groups gnomAD compares: East Asian, 0.49%; 2 homozygotes.

Submissions (2):

Labcorp Genetics (formerly Invitae), Labcorp
Classification: Likely benign. Last evaluated: 2018-04-10. Review status: criteria provided, single submitter. Criteria: Invitae Variant Classification Sherloc (09022015). Collection method: clinical testing. Allele origin: germline.

PreventionGenetics, part of Exact Sciences
Classification: Benign for ABCA5-related condition. Last evaluated: 2019-12-24. Review status: no assertion criteria provided. Collection method: clinical testing. Allele origin: germline. Not counted in ClinVar's aggregate classification.
Comment: This variant is classified as benign based on ACMG/AMP sequence variant interpretation guidelines (Richards et al. 2015 PMID: 25741868, with internal and published modifications).

NM_172232.4(ABCA5):c.353C>T (p.Ser118Phe)

Gene: ABCA5 (ATP binding cassette subfamily A member 5; minus strand). Cytogenetic location: 17q24.3.
Variant type: single nucleotide variant.
Coding change: c.353C>T on transcript NM_172232.4 (MANE Select); coding-DNA position 353, C replaced by T.
Protein change: p.Ser118Phe; replaces serine 118 with phenylalanine.
Molecular consequence: missense variant.
Genome position (GRCh38, 1-based): chr17:69,309,378, G>A on the plus strand (C>T on the coding strand, the complement: ABCA5 is on the minus strand). VCF-style: chr17-69309378-G-A. GRCh37 (hg19) VCF-style: chr17-67305519-G-A.
Other names: c.353C>T, p.Ser118Phe (NM_018672.5); short protein forms S118F.
Identifiers: ClinVar variation 739512 (VCV000739512.5), dbSNP rs199888749, ClinGen allele CA8737922.